The following is an entry in ClinVar:

NM_024675.4(PALB2):c.3307G>T (p.Val1103Leu)

Gene: PALB2 (partner and localizer of BRCA2; minus strand). Cytogenetic location: 16p12.2.
Variant type: single nucleotide variant.
Coding change: c.3307G>T on transcript NM_024675.4 (MANE Select); coding-DNA position 3307, G replaced by T.
Protein change: p.Val1103Leu; replaces valine 1103 with leucine.
Molecular consequence: missense variant.
Genome position (GRCh38, 1-based): chr16:23,607,907, C>A on the plus strand (G>T on the coding strand, the complement: PALB2 is on the minus strand). VCF-style: chr16-23607907-C-A. GRCh37 (hg19) VCF-style: chr16-23619228-C-A.
Other names: short protein forms V1103L.
Identifiers: ClinVar variation 955759 (VCV000955759.11), dbSNP rs201657283, ClinGen allele CA395139465.

ClinVar aggregate classification (germline): Conflicting classifications of pathogenicity. Review status: criteria provided, conflicting classifications (1 of 4 stars). 2 submissions from 2 submitters: Uncertain significance (1); Likely benign (1). Last evaluated 2024-12-11.

Conditions:
Hereditary cancer-predisposing syndrome. Also called: Hereditary neoplastic syndrome; Tumor predisposition; Neoplastic Syndromes, Hereditary; Hereditary Cancer Syndrome. Identifiers: Orphanet 140162, MedGen C0027672, MeSH D009386, MONDO:0015356.
Familial cancer of breast. Also called: hereditary breast carcinoma; Hereditary breast cancer; BREAST CANCER, FAMILIAL. Identifiers: Orphanet 227535, MedGen C0346153, MONDO:0016419, OMIM 114480. Disease mechanism: loss of function.

Submissions (2):

Ambry Genetics
Classification: Likely benign for Hereditary cancer-predisposing syndrome. Last evaluated: 2024-12-11. Review status: criteria provided, single submitter. Criteria: Ambry Variant Classification Scheme 2023. Collection method: clinical testing. Allele origin: germline.

Labcorp Genetics (formerly Invitae), Labcorp
Classification: Uncertain significance for Familial cancer of breast. Last evaluated: 2022-04-23. Review status: criteria provided, single submitter. Criteria: Invitae Variant Classification Sherloc (09022015). Collection method: clinical testing. Allele origin: germline.
Comment: In summary, the available evidence is currently insufficient to determine the role of this variant in disease. Therefore, it has been classified as a Variant of Uncertain Significance. Experimental studies have shown that this missense change does not substantially affect PALB2 function (PMID: 31636395). This sequence change replaces valine, which is neutral and non-polar, with leucine, which is neutral and non-polar, at codon 1103 of the PALB2 protein (p.Val1103Leu). This variant is not present in population databases (gnomAD no frequency). This variant has not been reported in the literature in individuals affected with PALB2-related conditions. ClinVar contains an entry for this variant (Variation ID: 955759). Algorithms developed to predict the effect of missense changes on protein structure and function (SIFT, PolyPhen-2, Align-GVGD) all suggest that this variant is likely to be tolerated.

Literature cited by the submitters: PubMed 31636395 (cited by Labcorp Genetics (formerly Invitae), Labcorp).